The following is an entry in ClinVar:

ClinVar aggregate classification (germline): Conflicting classifications of pathogenicity. Review status: criteria provided, conflicting classifications (1 of 4 stars). 2 submissions from 2 submitters: Uncertain significance (1); Benign (1). Last evaluated 2025-12-18.

Conditions:
Tuberous sclerosis 2 (TSC2). Identifiers: Orphanet 805, MedGen C1860707, MONDO:0013199, OMIM 613254.
Hereditary cancer-predisposing syndrome. Also called: Tumor predisposition; Hereditary Cancer Syndrome; Hereditary neoplastic syndrome; Neoplastic Syndromes, Hereditary. Identifiers: Orphanet 140162, MedGen C0027672, MeSH D009386, MONDO:0015356.

Allele frequency attached by ClinVar (database versions not stated): gnomAD exomes below 0.00001.
gnomAD v4.1: 1 of 1,612,640 alleles (0.000062%); highest among the groups gnomAD compares: Non-Finnish European, 0.000085%; no homozygotes.

Submissions (2):

Ambry Genetics
Classification: Uncertain significance for Hereditary cancer-predisposing syndrome. Last evaluated: 2025-12-18. Review status: criteria provided, single submitter. Criteria: Ambry Variant Classification Scheme 2023. Collection method: clinical testing. Allele origin: germline.
Comment: The p.T1572A variant (also known as c.4714A>G), located in coding exon 36 of the TSC2 gene, results from an A to G substitution at nucleotide position 4714. The threonine at codon 1572 is replaced by alanine, an amino acid with similar properties. This amino acid position is conserved. In addition, the in silico prediction for this alteration is inconclusive. Based on the available evidence, the clinical significance of this variant remains unclear.

Labcorp Genetics (formerly Invitae), Labcorp
Classification: Benign for Tuberous sclerosis 2. Last evaluated: 2025-10-07. Review status: criteria provided, single submitter. Criteria: Invitae Variant Classification Sherloc (09022015). Collection method: clinical testing. Allele origin: germline.

NM_000548.5(TSC2):c.4714A>G (p.Thr1572Ala)

Gene: TSC2 (TSC complex subunit 2; plus strand). Cytogenetic location: 16p13.3.
Variant type: single nucleotide variant.
Coding change: c.4714A>G on transcript NM_000548.5 (MANE Select); coding-DNA position 4714, A replaced by G.
Protein change: p.Thr1572Ala; replaces threonine 1572 with alanine.
Molecular consequence: missense variant.
Genome position (GRCh38, 1-based): chr16:2,086,244, A>G. VCF-style: chr16-2086244-A-G. GRCh37 (hg19) VCF-style: chr16-2136245-A-G.
Other names: c.4513A>G, p.Thr1505Ala (NM_001077183.3); c.4645A>G, p.Thr1549Ala (NM_001114382.3); c.4405A>G, p.Thr1469Ala (NM_001318827.2); c.4369A>G, p.Thr1457Ala (NM_001318829.2); c.3982A>G, p.Thr1328Ala (NM_001318831.2); c.4546A>G, p.Thr1516Ala (NM_001318832.2); c.4516A>G, p.Thr1506Ala (NM_001363528.2); c.4582A>G, p.Thr1528Ala (NM_001370404.1); and 26 more; short protein forms T1057A, T1457A, T1486A, T1546A, T1572A, T1080A, T1081A, T1372A.
Identifiers: ClinVar variation 1742605 (VCV001742605.4), dbSNP rs1567532805, ClinGen allele CA394307417.